The following is an entry in ClinVar:

NM_020699.4(GATAD2B):c.1522C>G (p.Leu508Val)

Gene: GATAD2B (GATA zinc finger domain containing 2B; minus strand). Cytogenetic location: 1q21.3.
Variant type: single nucleotide variant.
Coding change: c.1522C>G on transcript NM_020699.4 (MANE Select); coding-DNA position 1522, C replaced by G.
Protein change: p.Leu508Val; replaces leucine 508 with valine.
Molecular consequence: missense variant.
Genome position (GRCh38, 1-based): chr1:153,812,030, G>C on the plus strand (C>G on the coding strand, the complement: GATAD2B is on the minus strand). VCF-style: chr1-153812030-G-C. GRCh37 (hg19) VCF-style: chr1-153784506-G-C.
Other names: short protein forms L508V.
Identifiers: ClinVar variation 1957558 (VCV001957558.5), dbSNP rs2525233863, ClinGen allele CA342581089.

ClinVar aggregate classification (germline): Uncertain significance (1 of 4 stars; one submission).

Submission:

Labcorp Genetics (formerly Invitae), Labcorp
Classification: Uncertain significance. Last evaluated: 2022-09-13. Review status: criteria provided, single submitter. Criteria: Invitae Variant Classification Sherloc (09022015). Collection method: clinical testing. Allele origin: germline.
Comment: In summary, the available evidence is currently insufficient to determine the role of this variant in disease. Therefore, it has been classified as a Variant of Uncertain Significance. Advanced modeling of protein sequence and biophysical properties (such as structural, functional, and spatial information, amino acid conservation, physicochemical variation, residue mobility, and thermodynamic stability) performed at Invitae indicates that this missense variant is not expected to disrupt GATAD2B protein function. This variant has not been reported in the literature in individuals affected with GATAD2B-related conditions. This variant is not present in population databases (gnomAD no frequency). This sequence change replaces leucine, which is neutral and non-polar, with valine, which is neutral and non-polar, at codon 508 of the GATAD2B protein (p.Leu508Val).